The following is an entry in ClinVar:

ClinVar aggregate classification (germline): Uncertain significance (1 of 4 stars; one submission).

Conditions:
Leber congenital amaurosis 4 (LCA4). Identifiers: MedGen C1858386, MONDO:0011458, OMIM 604393.

Submission:

Labcorp Genetics (formerly Invitae), Labcorp
Classification: Uncertain significance for Leber congenital amaurosis 4. Last evaluated: 2022-05-31. Review status: criteria provided, single submitter. Criteria: Invitae Variant Classification Sherloc (09022015). Collection method: clinical testing. Allele origin: germline.
Comment: This sequence change replaces leucine, which is neutral and non-polar, with arginine, which is basic and polar, at codon 7 of the AIPL1 protein (p.Leu7Arg). This variant is not present in population databases (gnomAD no frequency). This variant has not been reported in the literature in individuals affected with AIPL1-related conditions. Algorithms developed to predict the effect of missense changes on protein structure and function are either unavailable or do not agree on the potential impact of this missense change (SIFT: "Deleterious"; PolyPhen-2: "Probably Damaging"; Align-GVGD: "Class C0"). In summary, the available evidence is currently insufficient to determine the role of this variant in disease. Therefore, it has been classified as a Variant of Uncertain Significance.

NM_014336.5(AIPL1):c.20T>G (p.Leu7Arg)

Gene: AIPL1 (AIP like 1 HSP90 co-chaperone; minus strand). Cytogenetic location: 17p13.2.
Variant type: single nucleotide variant.
Coding change: c.20T>G on transcript NM_014336.5 (MANE Select); coding-DNA position 20, T replaced by G.
Protein change: p.Leu7Arg; replaces leucine 7 with arginine.
Molecular consequence: missense variant. On other transcripts: 5 prime UTR variant (1).
Genome position (GRCh38, 1-based): chr17:6,435,085, A>C on the plus strand (T>G on the coding strand, the complement: AIPL1 is on the minus strand). VCF-style: chr17-6435085-A-C. GRCh37 (hg19) VCF-style: chr17-6338405-A-C.
Other names: c.20T>G, p.Leu7Arg (NM_001033054.3, NM_001033055.3, NM_001285399.3 and 3 more transcripts); c.-156T>G (NM_001285402.2); short protein forms L7R.
Identifiers: ClinVar variation 2001497 (VCV002001497.4), dbSNP rs2543922109, ClinGen allele CA397397891.